The following is an entry in ClinVar:

ClinVar aggregate classification (germline): Uncertain significance. Review status: criteria provided, multiple submitters, no conflicts (2 of 4 stars). 3 submissions from 3 submitters: Uncertain significance (3). Last evaluated 2022-07-18.

Conditions:
Joubert syndrome. Also called: CEREBELLOPARENCHYMAL DISORDER IV; JOUBERT-BOLTSHAUSER SYNDROME; Familial aplasia of the vermis. Identifiers: Orphanet 475, MedGen C5979921, MONDO:0018772.
Meckel-Gruber syndrome. Also called: DYSENCEPHALIA SPLANCHNOCYSTICA; GRUBER SYNDROME; Dysencephalia splachnocystica. Identifiers: Orphanet 564, MedGen C0265215, MONDO:0018921.
Bardet-Biedl syndrome 14 (BBS14). Identifiers: Orphanet 110, MedGen C2673874, MONDO:0014442, OMIM 615991.
Joubert syndrome 6 (JBTS6). Identifiers: Orphanet 475, MedGen C1853153, MONDO:0012539, OMIM 610688.
RHYNS syndrome. Also called: RETINITIS PIGMENTOSA SYNDROME; RETINITIS PIGMENTOSA, HYPOPITUITARISM, NEPHRONOPHTHISIS, AND MILD SKELETAL DYSPLASIA. Identifiers: Orphanet 140976, MedGen C1865794, MONDO:0011202, OMIM 602152.
Meckel syndrome, type 3 (MKS3). Also called: MECKEL-GRUBER SYNDROME, TYPE 3. Identifiers: Orphanet 564, MedGen C1846357, MONDO:0011821, OMIM 607361.
COACH syndrome 1. Identifiers: Orphanet 1454, MedGen C5435651, MONDO:0800103, OMIM 216360, MONDO:0008996.
Nephronophthisis 11 (NPHP11). Identifiers: Orphanet 84081, MedGen C3150796, MONDO:0013302, OMIM 613550.

Allele frequency attached by ClinVar (database versions not stated): gnomAD exomes below 0.00001; gnomAD 0.00001 and 0.00003; 1000 Genomes Project 0.00020; 1000 Genomes Project 30x 0.00031.
gnomAD v4.1: 7 of 1,614,202 alleles (0.00043%); highest among the groups gnomAD compares: African/African-American, 0.0067%; no homozygotes.

Submissions (3):

Labcorp Genetics (formerly Invitae), Labcorp
Classification: Uncertain significance for Joubert syndrome; Meckel-Gruber syndrome. Last evaluated: 2022-07-18. Review status: criteria provided, single submitter. Criteria: Invitae Variant Classification Sherloc (09022015). Collection method: clinical testing. Allele origin: germline.
Comment: This sequence change replaces phenylalanine, which is neutral and non-polar, with leucine, which is neutral and non-polar, at codon 25 of the TMEM67 protein (p.Phe25Leu). This variant is present in population databases (rs371462532, gnomAD 0.008%). This variant has not been reported in the literature in individuals affected with TMEM67-related conditions. ClinVar contains an entry for this variant (Variation ID: 1403148). Advanced modeling of protein sequence and biophysical properties (such as structural, functional, and spatial information, amino acid conservation, physicochemical variation, residue mobility, and thermodynamic stability) performed at Invitae indicates that this missense variant is not expected to disrupt TMEM67 protein function. In summary, the available evidence is currently insufficient to determine the role of this variant in disease. Therefore, it has been classified as a Variant of Uncertain Significance.

Fulgent Genetics
Classification: Uncertain significance for COACH syndrome 1; RHYNS syndrome; Meckel syndrome, type 3; Joubert syndrome 6; Nephronophthisis 11; Bardet-Biedl syndrome 14. Last evaluated: 2022-05-16. Review status: criteria provided, single submitter. Criteria: ACMG Guidelines, 2015. Collection method: clinical testing. Allele origin: unknown.

Breakthrough Genomics
Classification: Uncertain significance. Review status: criteria provided, single submitter. Criteria: ACMG Guidelines, 2015. Collection method: not provided. Allele origin: germline. Inheritance: Autosomal recessive inheritance. Affected: yes.

NM_153704.6(TMEM67):c.75C>G (p.Phe25Leu)

Gene: TMEM67 (transmembrane protein 67; plus strand). Cytogenetic location: 8q22.1.
Variant type: single nucleotide variant.
Coding change: c.75C>G on transcript NM_153704.6 (MANE Select); coding-DNA position 75, C replaced by G.
Protein change: p.Phe25Leu; replaces phenylalanine 25 with leucine.
Molecular consequence: missense variant. On other transcripts: non-coding transcript variant (1), intron variant (1).
Genome position (GRCh38, 1-based): chr8:93,754,989, C>G. VCF-style: chr8-93754989-C-G. GRCh37 (hg19) VCF-style: chr8-94767217-C-G.
Other names: c.-179-31C>G (NM_001142301.1); short protein forms F25L.
Identifiers: ClinVar variation 1403148 (VCV001403148.5), dbSNP rs371462532, ClinGen allele CA4807510.